The following is an entry in ClinVar:

ClinVar aggregate classification (germline): Uncertain significance (1 of 4 stars; one submission).

Submission:

GeneDx
Classification: Uncertain significance. Last evaluated: 2019-06-04. Review status: criteria provided, single submitter. Criteria: GeneDx Variant Classification Process June 2021. Collection method: clinical testing. Allele origin: germline. Affected: yes.
Comment: Not observed in large population cohorts (Lek et al., 2016); Nonsense variant predicted to result in protein truncation or nonsense mediated decay in a gene for which loss-of-function is not a known mechanism of disease; Has not been previously published as pathogenic or benign to our knowledge

NM_004958.4(MTOR):c.1801C>T (p.Gln601Ter)

Gene: MTOR (mechanistic target of rapamycin kinase; minus strand). Cytogenetic location: 1p36.22.
Variant type: single nucleotide variant.
Coding change: c.1801C>T on transcript NM_004958.4 (MANE Select); coding-DNA position 1801, C replaced by T.
Protein change: p.Gln601Ter; replaces glutamine 601 with a stop codon.
Molecular consequence: nonsense.
Genome position (GRCh38, 1-based): chr1:11,238,603, G>A on the plus strand (C>T on the coding strand, the complement: MTOR is on the minus strand). VCF-style: chr1-11238603-G-A. GRCh37 (hg19) VCF-style: chr1-11298660-G-A.
Other names: c.1801C>T, p.Gln601Ter (NM_001386500.1); c.553C>T, p.Gln185Ter (NM_001386501.1); short protein forms Q185*, Q601*.
Identifiers: ClinVar variation 1304608 (VCV001304608.2), dbSNP rs2100901882, ClinGen allele CA338390656.
Genomic context (GRCh38, chr1:11,238,603, plus strand): 5'-CCATGCGGATCTCCTTGTGCTCACTGTTCAGGAAATGATCCGCACAGTGGCGAACAAATT[G>A]GGTCAGAGAGTGGCCTGGATAGAAAGGCAGAGAGAAAACAGAATAAACACTGCTGCTGTA-3'